The following is an entry in ClinVar:

NM_001190274.2(FBXO11):c.587+15A>G

Gene: FBXO11 (F-box protein 11; minus strand). Cytogenetic location: 2p16.3.
Variant type: single nucleotide variant.
Coding change: c.587+15A>G on transcript NM_001190274.2 (MANE Select); 15 bases into the intron after coding-DNA position 587, A replaced by G.
Molecular consequence: intron variant.
Genome position (GRCh38, 1-based): chr2:47,838,844, T>C on the plus strand (A>G on the coding strand, the complement: FBXO11 is on the minus strand). VCF-style: chr2-47838844-T-C. GRCh37 (hg19) VCF-style: chr2-48065983-T-C.
Other names: c.335+15A>G (NM_001374325.1, NM_025133.4).
Identifiers: ClinVar variation 4525982 (VCV004525982.2).

ClinVar aggregate classification (germline): Likely benign. Review status: criteria provided, multiple submitters, no conflicts (2 of 4 stars). 2 submissions from 2 submitters: Likely benign (2). Last evaluated 2025-07-10.

gnomAD v4.1: 3 of 1,604,818 alleles (0.00019%); highest among the groups gnomAD compares: Non-Finnish European, 0.00026%; no homozygotes.

Submissions (2):

Women's Health and Genetics/Laboratory Corporation of America, LabCorp
Classification: Likely benign. Last evaluated: 2025-07-10. Review status: criteria provided, single submitter. Criteria: LabCorp Variant Classification Summary - May 2015. Collection method: clinical testing. Allele origin: germline.
Comment: Variant summary: FBXO11 c.587+15A>G alters a conserved nucleotide located at a position not widely known to affect splicing. Consensus agreement among computation tools predict no significant impact on normal splicing. However, these predictions have yet to be confirmed by functional studies. The variant was absent in 247958 control chromosomes. The available data on variant occurrences in the general population are insufficient to allow any conclusion about variant significance. To our knowledge, no occurrence of c.587+15A>G in individuals affected with Intellectual Developmental Disorder With Dysmorphic Facies And Behavioral Abnormalities and no experimental evidence demonstrating its impact on protein function have been reported. No submitters have cited clinical-significance assessments for this variant to ClinVar. Based on the evidence outlined above, the variant was classified as likely benign.

Blueprint Genetics
Classification: Likely benign. Last evaluated: 2022-12-14. Review status: criteria provided, single submitter. Criteria: ACMG Guidelines, 2015. Collection method: clinical testing. Allele origin: germline.